The following is an entry in ClinVar:

NM_001372066.1(TFAP2A):c.1193C>T (p.Thr398Met)

Gene: TFAP2A (transcription factor AP-2 alpha; minus strand). Cytogenetic location: 6p24.3.
Variant type: single nucleotide variant.
Coding change: c.1193C>T on transcript NM_001372066.1 (MANE Select); coding-DNA position 1193, C replaced by T.
Protein change: p.Thr398Met; replaces threonine 398 with methionine.
Molecular consequence: missense variant.
Genome position (GRCh38, 1-based): chr6:10,398,544, G>A on the plus strand (C>T on the coding strand, the complement: TFAP2A is on the minus strand). VCF-style: chr6-10398544-G-A. GRCh37 (hg19) VCF-style: chr6-10398777-G-A.
Other names: NM_003220.2:c.1187C>T; c.1169C>T, p.Thr390Met (NM_001032280.3); c.1175C>T, p.Thr392Met (NM_001042425.3); short protein forms T390M, T398M, T392M.
Identifiers: ClinVar variation 1906690 (VCV001906690.9), dbSNP rs1367388357, ClinGen allele CA362699137.

ClinVar aggregate classification (germline): Uncertain significance. Review status: criteria provided, multiple submitters, no conflicts (2 of 4 stars). 5 submissions from 5 submitters: Uncertain significance (5). Last evaluated 2024-12-09.

Conditions:
TFAP2A-related disorder. Also called: TFAP2A-related condition.
Inborn genetic diseases. Identifiers: MedGen C0950123, MeSH D030342.
Branchiooculofacial syndrome (BOFS). Also called: HEMANGIOMATOUS BRANCHIAL CLEFTS-LIP PSEUDOCLEFT SYNDROME; LIP PSEUDOCLEFT-HEMANGIOMATOUS BRANCHIAL CYST SYNDROME; Branchio-Oculo-Facial Syndrome; BOF SYNDROME. Identifiers: Orphanet 1297, MedGen C0376524, MeSH D019280, MONDO:0007235, OMIM 113620.

Allele frequency attached by ClinVar (database versions not stated): gnomAD exomes 0.00002.
gnomAD v4.1: 10 of 1,614,232 alleles (0.00062%); highest among the groups gnomAD compares: Middle Eastern, 0.13%; no homozygotes.

Submissions (5):

Ambry Genetics
Classification: Uncertain significance for Inborn genetic diseases. Last evaluated: 2024-12-09. Review status: criteria provided, single submitter. Criteria: Ambry Variant Classification Scheme 2023. Collection method: clinical testing. Allele origin: germline.

PreventionGenetics, part of Exact Sciences
Classification: Uncertain significance for TFAP2A-related condition. Last evaluated: 2024-11-09. Review status: criteria provided, single submitter. Criteria: ACMG Guidelines, 2015. Collection method: clinical testing. Allele origin: germline.
Comment: The TFAP2A c.1187C>T variant is predicted to result in the amino acid substitution p.Thr396Met. To our knowledge, this variant has not been reported in the literature or in a large population database (gnomAD), indicating it is rare. At this time, the clinical significance of this variant is uncertain due to the absence of conclusive functional and genetic evidence.

Fulgent Genetics
Classification: Uncertain significance for Branchiooculofacial syndrome. Last evaluated: 2024-03-31. Review status: criteria provided, single submitter. Criteria: ACMG Guidelines, 2015. Collection method: clinical testing. Allele origin: germline.

GeneDx
Classification: Uncertain significance. Last evaluated: 2024-02-15. Review status: criteria provided, single submitter. Criteria: GeneDx Variant Classification Process June 2021. Collection method: clinical testing. Allele origin: germline. Affected: yes.
Comment: Not observed at significant frequency in large population cohorts (gnomAD); In silico analysis supports that this missense variant has a deleterious effect on protein structure/function; Has not been previously published as pathogenic or benign to our knowledge

Labcorp Genetics (formerly Invitae), Labcorp
Classification: Uncertain significance. Last evaluated: 2022-05-29. Review status: criteria provided, single submitter. Criteria: Invitae Variant Classification Sherloc (09022015). Collection method: clinical testing. Allele origin: germline.
Comment: This sequence change replaces threonine, which is neutral and polar, with methionine, which is neutral and non-polar, at codon 396 of the TFAP2A protein (p.Thr396Met). This variant is present in population databases (no rsID available, gnomAD no frequency). This variant has not been reported in the literature in individuals affected with TFAP2A-related conditions. Algorithms developed to predict the effect of missense changes on protein structure and function are either unavailable or do not agree on the potential impact of this missense change (SIFT: "Tolerated"; PolyPhen-2: "Probably Damaging"; Align-GVGD: "Class C0"). In summary, the available evidence is currently insufficient to determine the role of this variant in disease. Therefore, it has been classified as a Variant of Uncertain Significance.